The following is an entry in ClinVar:

ClinVar aggregate classification (germline): Uncertain significance (1 of 4 stars; one submission).

Conditions:
Mucopolysaccharidosis type 6 (MPS6). Also called: ARSB DEFICIENCY; ARYLSULFATASE B DEFICIENCY; MPS 6; Maroteaux Lamy syndrome; MPS VI; N-ACETYLGALACTOSAMINE-4-SULFATASE DEFICIENCY. Identifiers: Orphanet 583, MedGen C0026709, MONDO:0009661, OMIM 253200.

Allele frequency attached by ClinVar (database versions not stated): ExAC 0.00004; gnomAD exomes 0.00004; TOPMed 0.00004; gnomAD 0.00007.
gnomAD v4.1: 78 of 1,613,216 alleles (0.0048%); highest among the groups gnomAD compares: African/African-American, 0.021%; no homozygotes.

Submission:

Labcorp Genetics (formerly Invitae), Labcorp
Classification: Uncertain significance for Mucopolysaccharidosis type 6. Last evaluated: 2022-06-13. Review status: criteria provided, single submitter. Criteria: Invitae Variant Classification Sherloc (09022015). Collection method: clinical testing. Allele origin: germline.
Comment: This sequence change replaces proline, which is neutral and non-polar, with leucine, which is neutral and non-polar, at codon 404 of the ARSB protein (p.Pro404Leu). This variant is present in population databases (rs200665696, gnomAD 0.02%). This variant has not been reported in the literature in individuals affected with ARSB-related conditions. Algorithms developed to predict the effect of missense changes on protein structure and function are either unavailable or do not agree on the potential impact of this missense change (SIFT: "Deleterious"; PolyPhen-2: "Benign"; Align-GVGD: "Class C0"). In summary, the available evidence is currently insufficient to determine the role of this variant in disease. Therefore, it has been classified as a Variant of Uncertain Significance.

NM_000046.5(ARSB):c.1211C>T (p.Pro404Leu)

Gene: ARSB (arylsulfatase B; minus strand). Cytogenetic location: 5q14.1.
Variant type: single nucleotide variant.
Coding change: c.1211C>T on transcript NM_000046.5 (MANE Select); coding-DNA position 1211, C replaced by T.
Protein change: p.Pro404Leu; replaces proline 404 with leucine.
Molecular consequence: missense variant.
Genome position (GRCh38, 1-based): chr5:78,839,358, G>A on the plus strand (C>T on the coding strand, the complement: ARSB is on the minus strand). VCF-style: chr5-78839358-G-A. GRCh37 (hg19) VCF-style: chr5-78135181-G-A.
Other names: c.1211C>T, p.Pro404Leu (NM_198709.3); short protein forms P404L.
Identifiers: ClinVar variation 2079795 (VCV002079795.1), dbSNP rs200665696, ClinGen allele CA3318081.